The following is an entry in ClinVar:

ClinVar aggregate classification (germline): Uncertain significance (1 of 4 stars; one submission).

Conditions:
Cardiovascular phenotype. Identifiers: MedGen CN230736.
Hereditary cancer-predisposing syndrome. Also called: Neoplastic Syndromes, Hereditary; Tumor predisposition; Hereditary neoplastic syndrome; Hereditary Cancer Syndrome. Identifiers: Orphanet 140162, MedGen C0027672, MeSH D009386, MONDO:0015356.

Submission:

Ambry Genetics
Classification: Uncertain significance for Cardiovascular phenotype; Hereditary cancer-predisposing syndrome. Last evaluated: 2026-08-07. Review status: criteria provided, single submitter. Criteria: Ambry Variant Classification Scheme 2023. Collection method: clinical testing. Allele origin: germline.
Comment: The p.L1679V variant (also known as c.5035C>G), located in coding exon 36 of the NF1 gene, results from a C to G substitution at nucleotide position 5035. The leucine at codon 1679 is replaced by valine, an amino acid with highly similar properties. This amino acid position is conserved. In addition, the in silico prediction for this alteration is inconclusive. Based on the available evidence, the clinical significance of this variant remains unclear.

NM_001042492.3(NF1):c.5098C>G (p.Leu1700Val)

Gene: NF1 (neurofibromin 1; plus strand). Cytogenetic location: 17q11.2.
Variant type: single nucleotide variant.
Coding change: c.5098C>G on transcript NM_001042492.3 (MANE Select); coding-DNA position 5098, C replaced by G.
Protein change: p.Leu1700Val; replaces leucine 1700 with valine.
Molecular consequence: missense variant.
Genome position (GRCh38, 1-based): chr17:31,326,082, C>G. VCF-style: chr17-31326082-C-G. GRCh37 (hg19) VCF-style: chr17-29653100-C-G.
Other names: c.5035C>G, p.Leu1679Val (NM_000267.4); short protein forms L1679V, L1700V.
Identifiers: ClinVar variation 5025614 (VCV005025614.1).